The following is an entry in ClinVar:

NM_007294.4(BRCA1):c.5075-5T>A

Gene: BRCA1 (BRCA1 DNA repair associated; minus strand). Cytogenetic location: 17q21.31.
Variant type: single nucleotide variant.
Coding change: c.5075-5T>A on transcript NM_007294.4 (MANE Select); 5 bases into the intron before coding-DNA position 5075, T replaced by A.
Molecular consequence: intron variant.
Genome position (GRCh38, 1-based): chr17:43,063,956, A>T on the plus strand (T>A on the coding strand, the complement: BRCA1 is on the minus strand). VCF-style: chr17-43063956-A-T. GRCh37 (hg19) VCF-style: chr17-41215973-A-T.
Other names: c.1622-5T>A (NM_001408458.1, NM_001408461.1, NM_001408464.1 and 7 more transcripts); c.4184-5T>A (NM_001407967.1); c.4694-5T>A (NM_001407959.1); c.4808-5T>A (NM_001407931.1, NM_001407932.1, NM_001407928.1 and 4 more transcripts); c.4931-5T>A (NM_001407747.1, NM_001407745.1, NM_001407737.1 and 21 more transcripts); c.4691-5T>A (NM_001407962.1, NM_001407960.1); c.1262-5T>A (NM_001408512.1); c.1385-5T>A (NM_001408510.1); and 73 more.
Identifiers: ClinVar variation 867615 (VCV000867615.3), dbSNP rs775235695, ClinGen allele CA916080130.

Conditions:
Breast-ovarian cancer, familial, susceptibility to, 1 (BROVCA1). Also called: BRCA1 Hereditary Breast and Ovarian Cancer; OVARIAN CANCER, SUSCEPTIBILITY TO. Identifiers: Orphanet 145, MedGen C2676676, MONDO:0011450, OMIM 604370. Disease mechanism: loss of function.

Submission:

Brotman Baty Institute, University of Washington
No classification provided (evidence only). Condition: Breast-ovarian cancer, familial 1. Review status: no classification provided. Collection method: in vitro. Allele origin: not applicable. Functional consequence: functionally_abnormal.
ClinVar note: "not provided" was previously submitted as the classification for the variant. However, the classification appeared to be based only on an observation of functional data so it was converted to no classification on 2025-07-30.